The following is an entry in ClinVar:

NM_000179.3(MSH6):c.487G>T (p.Gly163Cys)

Gene: MSH6 (mutS homolog 6; plus strand). Cytogenetic location: 2p16.3.
Variant type: single nucleotide variant.
Coding change: c.487G>T on transcript NM_000179.3 (MANE Select); coding-DNA position 487, G replaced by T.
Protein change: p.Gly163Cys; replaces glycine 163 with cysteine.
Molecular consequence: missense variant. On other transcripts: 5 prime UTR variant (1), intron variant (2).
Genome position (GRCh38, 1-based): chr2:47,795,923, G>T. VCF-style: chr2-47795923-G-T. GRCh37 (hg19) VCF-style: chr2-48023062-G-T.
Other names: c.-416G>T (NM_001281494.2); c.-279-2688G>T (NM_001281493.2); c.238-2688G>T (NM_001281492.2); short protein forms G163C.
Identifiers: ClinVar variation 948766 (VCV000948766.12), dbSNP rs776065389, ClinGen allele CA346738618.

ClinVar aggregate classification (germline): Uncertain significance. Review status: criteria provided, multiple submitters, no conflicts (2 of 4 stars). 2 submissions from 2 submitters: Uncertain significance (2). Last evaluated 2022-10-22.

Conditions:
Hereditary nonpolyposis colorectal neoplasms. Identifiers: MedGen C0009405, MeSH D003123.
Hereditary cancer-predisposing syndrome. Also called: Hereditary neoplastic syndrome; Neoplastic Syndromes, Hereditary; Tumor predisposition; Hereditary Cancer Syndrome. Identifiers: Orphanet 140162, MedGen C0027672, MeSH D009386, MONDO:0015356.

Submissions (2):

Ambry Genetics
Classification: Uncertain significance for Hereditary cancer-predisposing syndrome. Last evaluated: 2022-10-22. Review status: criteria provided, single submitter. Criteria: Ambry Variant Classification Scheme 2023. Collection method: clinical testing. Allele origin: germline.
Comment: The p.G163C variant (also known as c.487G>T), located in coding exon 3 of the MSH6 gene, results from a G to T substitution at nucleotide position 487. The glycine at codon 163 is replaced by cysteine, an amino acid with highly dissimilar properties. This amino acid position is highly conserved in available vertebrate species. In addition, this alteration is predicted to be deleterious by in silico analysis. Since supporting evidence is limited at this time, the clinical significance of this alteration remains unclear.

Labcorp Genetics (formerly Invitae), Labcorp
Classification: Uncertain significance for Hereditary nonpolyposis colorectal neoplasms. Last evaluated: 2020-01-31. Review status: criteria provided, single submitter. Criteria: Invitae Variant Classification Sherloc (09022015). Collection method: clinical testing. Allele origin: germline.
Comment: In summary, the available evidence is currently insufficient to determine the role of this variant in disease. Therefore, it has been classified as a Variant of Uncertain Significance. Algorithms developed to predict the effect of missense changes on protein structure and function are either unavailable or do not agree on the potential impact of this missense change (SIFT: "Tolerated"; PolyPhen-2: "Probably Damaging"; Align-GVGD: "Class C0"). This variant has not been reported in the literature in individuals with MSH6-related conditions. This variant is not present in population databases (ExAC no frequency). This sequence change replaces glycine with cysteine at codon 163 of the MSH6 protein (p.Gly163Cys). The glycine residue is highly conserved and there is a large physicochemical difference between glycine and cysteine.